The following is an entry in ClinVar:

NM_014822.4(SEC24D):c.470G>A (p.Arg157Gln)

Gene: SEC24D (SEC24 homolog D, COPII component; minus strand). Cytogenetic location: 4q26.
Variant type: single nucleotide variant.
Coding change: c.470G>A on transcript NM_014822.4 (MANE Select); coding-DNA position 470, G replaced by A.
Protein change: p.Arg157Gln; replaces arginine 157 with glutamine.
Molecular consequence: missense variant.
Genome position (GRCh38, 1-based): chr4:118,815,654, C>T on the plus strand (G>A on the coding strand, the complement: SEC24D is on the minus strand). VCF-style: chr4-118815654-C-T. GRCh37 (hg19) VCF-style: chr4-119736809-C-T.
Other names: c.470G>A, p.Arg157Gln (NM_001318066.2); c.470G>A (NM_014822.2); short protein forms R157Q.
Identifiers: ClinVar variation 2955738 (VCV002955738.4), dbSNP rs1417279876, ClinGen allele CA358015755.
Genomic context (GRCh38, chr4:118,815,654, plus strand): 5'-GTGGTGGGTGGTGGTGGAAGAACTTGAGATCCAGGCTGCAAAATGGAAGGCTGTGGAGGT[C>T]GTGGAGGAGTCTGCAATGATGTGGCTGACAGAGGGCCAGGGGGTCCCTGGCTTGGAGGAG-3'
Protein context (NP_055637.2, residues 147-167): LSATSLQTPP[Arg157Gln]PPQPSILQPG

ClinVar aggregate classification (germline): Conflicting classifications of pathogenicity. Review status: criteria provided, conflicting classifications (1 of 4 stars). 2 submissions from 2 submitters: Uncertain significance (1); Likely benign (1). Last evaluated 2025-12-08.

Conditions:
Inborn genetic diseases. Identifiers: MedGen C0950123, MeSH D030342.

Submissions (2):

Labcorp Genetics (formerly Invitae), Labcorp
Classification: Uncertain significance. Last evaluated: 2025-12-08. Review status: criteria provided, single submitter. Criteria: Invitae Variant Classification Sherloc (09022015). Collection method: clinical testing. Allele origin: germline.
Comment: This sequence change replaces arginine, which is basic and polar, with glutamine, which is neutral and polar, at codon 157 of the SEC24D protein (p.Arg157Gln). This variant is present in population databases (no rsID available, gnomAD 0.003%). This variant has not been reported in the literature in individuals affected with SEC24D-related conditions. ClinVar contains an entry for this variant (Variation ID: 2955738). An algorithm developed to predict the effect of missense changes on protein structure and function outputs the following: PolyPhen-2: "Benign". The glutamine amino acid residue is found in multiple mammalian species, which suggests that this missense change does not adversely affect protein function. In summary, the available evidence is currently insufficient to determine the role of this variant in disease. Therefore, it has been classified as a Variant of Uncertain Significance.

Ambry Genetics
Classification: Likely benign for Inborn genetic diseases. Last evaluated: 2024-12-23. Review status: criteria provided, single submitter. Criteria: Ambry Variant Classification Scheme 2023. Collection method: clinical testing. Allele origin: germline.